The following is an entry in ClinVar:

NM_006565.4(CTCF):c.1248T>A (p.Phe416Leu)

Gene: CTCF (CCCTC-binding factor; plus strand). Cytogenetic location: 16q22.1.
Variant type: single nucleotide variant.
Coding change: c.1248T>A on transcript NM_006565.4 (MANE Select); coding-DNA position 1248, T replaced by A.
Protein change: p.Phe416Leu; replaces phenylalanine 416 with leucine.
Molecular consequence: missense variant.
Genome position (GRCh38, 1-based): chr16:67,621,482, T>A. VCF-style: chr16-67621482-T-A. GRCh37 (hg19) VCF-style: chr16-67655385-T-A.
Other names: c.264T>A, p.Phe88Leu (NM_001191022.2); c.1248T>A, p.Phe416Leu (NM_001363916.2); short protein forms F416L, F88L.
Identifiers: ClinVar variation 1309776 (VCV001309776.2), dbSNP rs2142849567, ClinGen allele CA396315863.

ClinVar aggregate classification (germline): Uncertain significance (1 of 4 stars; one submission).

Submission:

GeneDx
Classification: Uncertain significance. Last evaluated: 2019-10-28. Review status: criteria provided, single submitter. Criteria: GeneDx Variant Classification Process June 2021. Collection method: clinical testing. Allele origin: germline. Affected: yes.
Comment: Not observed in large population cohorts (Lek et al., 2016); In silico analysis, which includes protein predictors and evolutionary conservation, supports a deleterious effect; Has not been previously published as pathogenic or benign to our knowledge